The following is an entry in ClinVar:

ClinVar aggregate classification (germline): Uncertain significance. Review status: criteria provided, multiple submitters, no conflicts (2 of 4 stars). 3 submissions from 3 submitters: Uncertain significance (3). Last evaluated 2026-05-17.

Conditions:
Inborn genetic diseases. Identifiers: MedGen C0950123, MeSH D030342.
Familial focal epilepsy with variable foci (FPEVF). Identifiers: Orphanet 98820, MedGen C1858477, MONDO:0020310.

Allele frequency attached by ClinVar (database versions not stated): gnomAD exomes 0.00001 and 0.00002; ExAC 0.00003; gnomAD 0.00001; TOPMed 0.00001.
gnomAD v4.1: 6 of 1,612,716 alleles (0.00037%); highest among the groups gnomAD compares: Admixed American, 0.01%; no homozygotes.

Submissions (3):

Ambry Genetics
Classification: Uncertain significance for Inborn genetic diseases. Last evaluated: 2026-05-17. Review status: criteria provided, single submitter. Criteria: Ambry Variant Classification Scheme 2023. Collection method: clinical testing. Allele origin: germline.
Comment: The c.2006+4A>G intronic alteration consists of an A to G substitution 4 nucleotides after exon 23 (coding exon 22) of the DEPDC5 gene. Based on data from gnomAD, the G allele has an overall frequency of 0.002% (6/249074) total alleles studied. This nucleotide position is highly conserved in available vertebrate species. In silico splice site analysis predicts that this alteration will weaken the native splice donor site. Based on insufficient or conflicting evidence, the clinical significance of this alteration remains unclear.

GeneDx
Classification: Uncertain significance. Last evaluated: 2024-12-13. Review status: criteria provided, single submitter. Criteria: GeneDx Variant Classification Process June 2021. Collection method: clinical testing. Allele origin: germline. Affected: yes.
Comment: In silico analysis supports a deleterious effect on splicing; Has not been previously published as pathogenic or benign to our knowledge

Labcorp Genetics (formerly Invitae), Labcorp
Classification: Uncertain significance for Familial focal epilepsy with variable foci. Last evaluated: 2022-10-24. Review status: criteria provided, single submitter. Criteria: Invitae Variant Classification Sherloc (09022015). Collection method: clinical testing. Allele origin: germline.
Comment: ClinVar contains an entry for this variant (Variation ID: 1365501). This variant has not been reported in the literature in individuals affected with DEPDC5-related conditions. Variants that disrupt the consensus splice site are a relatively common cause of aberrant splicing (PMID: 17576681, 9536098). Algorithms developed to predict the effect of sequence changes on RNA splicing suggest that this variant may disrupt the consensus splice site. In summary, the available evidence is currently insufficient to determine the role of this variant in disease. Therefore, it has been classified as a Variant of Uncertain Significance. This variant is present in population databases (rs758150938, gnomAD 0.01%). This sequence change falls in intron 23 of the DEPDC5 gene. It does not directly change the encoded amino acid sequence of the DEPDC5 protein. It affects a nucleotide within the consensus splice site.

Literature cited by the submitters: PubMed 17576681 (cited by Labcorp Genetics (formerly Invitae), Labcorp); PubMed 9536098 (cited by Labcorp Genetics (formerly Invitae), Labcorp).

NM_001242896.3(DEPDC5):c.2006+4A>G

Gene: DEPDC5 (DEP domain containing 5, GATOR1 subcomplex subunit; plus strand). Cytogenetic location: 22q12.3.
Variant type: single nucleotide variant.
Coding change: c.2006+4A>G on transcript NM_001242896.3 (MANE Select); 4 bases into the intron after coding-DNA position 2006, A replaced by G.
Molecular consequence: intron variant.
Genome position (GRCh38, 1-based): chr22:31,821,641, A>G. VCF-style: chr22-31821641-A-G. GRCh37 (hg19) VCF-style: chr22-32217627-A-G.
Other names: c.2006+4A>G (NM_001364318.2, NM_001136029.4, NM_014662.6 and 4 more transcripts); c.1870+2416A>G (NM_001363854.2, NM_001242897.2, NM_001364319.2); c.1922+4A>G (NM_001369902.1, NM_001369901.1).
Identifiers: ClinVar variation 1365501 (VCV001365501.8), dbSNP rs758150938, ClinGen allele CA10196525.
Genomic context (GRCh38, chr22:31,821,641, plus strand): 5'-TCCAACTCACTCCTCTGCAGAGCTGCTGGAGTTAGCATATCATGAAGCTGCTGGAAGGTG[A>G]GGATGTGCACAGGGCTCTGGAAGGTAACCTGAGAACACTCTCCAGCACCCAGGACAATGT-3'